The following is an entry in ClinVar:

ClinVar aggregate classification (germline): Pathogenic (1 of 4 stars; one submission).

Conditions:
Peutz-Jeghers syndrome (PJS). Also called: POLYPOSIS, HAMARTOMATOUS INTESTINAL; POLYPS-AND-SPOTS SYNDROME; Peutz-Jeghers polyposis; Periorificial lentiginosis syndrome. Identifiers: Orphanet 2869, MedGen C0031269, MeSH D010580, MONDO:0008280, OMIM 175200.

Submission:

Labcorp Genetics (formerly Invitae), Labcorp
Classification: Pathogenic for Peutz-Jeghers syndrome. Last evaluated: 2017-05-28. Review status: criteria provided, single submitter. Criteria: Invitae Variant Classification Sherloc (09022015). Collection method: clinical testing. Allele origin: germline.
Comment: For these reasons, this variant has been classified as Pathogenic. This deletion removes the majority of the protein kinase domain of the STK11 protein. ¬†Loss of STK11 kinase activity has been reported to cause the PJS phenotype (PMID: 9837816, 15987703) This variant has not been reported in the literature in individuals with a STK11-related disease. ¬†However similar deletions encompassing exons 3-10 (PMID: 24652667, 26386697) have been reported in individuals affected with Peutz Jeghers syndrome (PJS). This variant is a gross deletion of the genomic region encompassing exons 3-9 of the STK11 gene. The 5' boundary is likely confined to intron 2. The 3' end of this event is unknown as it extends through the termination codon beyond the assayed region for this gene and may encompass additional genes. Exon 10 of STK11 is non-coding and is not included in the assayed region. While this deletion is not anticipated to result in nonsense mediated decay, it is expected to create a truncated protein product by eliminating ~300 amino acid residues (~70%) from the full length protein or disrupt mRNA translation.

Literature cited by the submitters: PubMed 9837816; PubMed 15987703; PubMed 24652667; PubMed 26386697.

NC_000019.9:g.(?_1219317)_(1221345_?)del

Gene: STK11 (serine/threonine kinase 11; plus strand). Cytogenetic location: 19p13.3.
Variant type: Deletion.
Identifiers: ClinVar variation 458008 (VCV000458008.8).